The following is an entry in ClinVar:

ClinVar aggregate classification (germline): Uncertain significance (1 of 4 stars; one submission).

Conditions:
Cenani-Lenz syndactyly syndrome. Also called: CENANI SYNDACTYLISM; SYNDACTYLY, TYPE VII. Identifiers: Orphanet 3258, MedGen C1859309, MONDO:0008931, OMIM 212780.
Sclerosteosis 2 (SOST2). Identifiers: Orphanet 3152, MedGen C3280402, MONDO:0013679, OMIM 614305.
Congenital myasthenic syndrome 17. Identifiers: Orphanet 590, MedGen C4225377, MONDO:0014578, OMIM 616304.

Submission:

Labcorp Genetics (formerly Invitae), Labcorp
Classification: Uncertain significance for Cenani-Lenz syndactyly syndrome; Sclerosteosis 2; Congenital myasthenic syndrome 17. Last evaluated: 2025-04-09. Review status: criteria provided, single submitter. Criteria: Invitae Variant Classification Sherloc (09022015). Collection method: clinical testing. Allele origin: germline.
Comment: This sequence change replaces leucine, which is neutral and non-polar, with proline, which is neutral and non-polar, at codon 769 of the LRP4 protein (p.Leu769Pro). This variant is not present in population databases (gnomAD no frequency). This variant has not been reported in the literature in individuals affected with LRP4-related conditions. Invitae Evidence Modeling of protein sequence and biophysical properties (such as structural, functional, and spatial information, amino acid conservation, physicochemical variation, residue mobility, and thermodynamic stability) indicates that this missense variant is not expected to disrupt LRP4 protein function with a negative predictive value of 80%. In summary, the available evidence is currently insufficient to determine the role of this variant in disease. Therefore, it has been classified as a Variant of Uncertain Significance.

NM_002334.4(LRP4):c.2306T>C (p.Leu769Pro)

Gene: LRP4 (LDL receptor related protein 4; minus strand). Cytogenetic location: 11p11.2.
Variant type: single nucleotide variant.
Coding change: c.2306T>C on transcript NM_002334.4 (MANE Select); coding-DNA position 2306, T replaced by C.
Protein change: p.Leu769Pro; replaces leucine 769 with proline.
Molecular consequence: missense variant.
Genome position (GRCh38, 1-based): chr11:46,886,443, A>G on the plus strand (T>C on the coding strand, the complement: LRP4 is on the minus strand). VCF-style: chr11-46886443-A-G. GRCh37 (hg19) VCF-style: chr11-46907994-A-G.
Other names: short protein forms L769P.
Identifiers: ClinVar variation 4782780 (VCV004782780.1).